The following is an entry in ClinVar:

NM_015346.4(ZFYVE26):c.1660A>C (p.Thr554Pro)

Gene: ZFYVE26 (zinc finger FYVE-type containing 26; minus strand). Cytogenetic location: 14q24.1.
Variant type: single nucleotide variant.
Coding change: c.1660A>C on transcript NM_015346.4 (MANE Select); coding-DNA position 1660, A replaced by C.
Protein change: p.Thr554Pro; replaces threonine 554 with proline.
Molecular consequence: missense variant.
Genome position (GRCh38, 1-based): chr14:67,798,602, T>G on the plus strand (A>C on the coding strand, the complement: ZFYVE26 is on the minus strand). VCF-style: chr14-67798602-T-G. GRCh37 (hg19) VCF-style: chr14-68265319-T-G.
Other names: short protein forms T554P.
Identifiers: ClinVar variation 864341 (VCV000864341.7), dbSNP rs1346995866, ClinGen allele CA390176141.

ClinVar aggregate classification (germline): Uncertain significance (1 of 4 stars; one submission).

Conditions:
Spastic paraplegia. Identifiers: MedGen C0037772, HP:0001258.

gnomAD v4.1: 7 of 1,613,786 alleles (0.00043%); highest among the groups gnomAD compares: Non-Finnish European, 0.00051%; no homozygotes.

Submission:

Labcorp Genetics (formerly Invitae), Labcorp
Classification: Uncertain significance for Spastic paraplegia. Last evaluated: 2021-08-31. Review status: criteria provided, single submitter. Criteria: Invitae Variant Classification Sherloc (09022015). Collection method: clinical testing. Allele origin: germline.
Comment: This sequence change replaces threonine with proline at codon 554 of the ZFYVE26 protein (p.Thr554Pro). The threonine residue is moderately conserved and there is a small physicochemical difference between threonine and proline. This variant is not present in population databases (ExAC no frequency). This variant has not been reported in the literature in individuals affected with ZFYVE26-related conditions. Algorithms developed to predict the effect of missense changes on protein structure and function (SIFT, PolyPhen-2, Align-GVGD) all suggest that this variant is likely to be tolerated. In summary, the available evidence is currently insufficient to determine the role of this variant in disease. Therefore, it has been classified as a Variant of Uncertain Significance.